The following is an entry in ClinVar:

NM_000407.5(GP1BB):c.433C>T (p.Pro145Ser)

Genes: GP1BB (glycoprotein Ib platelet subunit beta; plus strand), SEPT5-GP1BB (SEPT5-GP1BB readthrough; plus strand). Cytogenetic location: 22q11.21.
Variant type: single nucleotide variant.
Coding change: c.433C>T on transcript NM_000407.5 (MANE Select); coding-DNA position 433, C replaced by T.
Protein change: p.Pro145Ser; replaces proline 145 with serine.
Molecular consequence: missense variant. On other transcripts: non-coding transcript variant (2).
Genome position (GRCh38, 1-based): chr22:19,724,276, C>T. VCF-style: chr22-19724276-C-T. GRCh37 (hg19) VCF-style: chr22-19711799-C-T.
Other names: short protein forms P145S.
Identifiers: ClinVar variation 2581461 (VCV002581461.2), dbSNP rs544345018, ClinGen allele CA322080045.

ClinVar aggregate classification (germline): Uncertain significance. Review status: criteria provided, single submitter (1 of 4 stars). 2 submissions from 2 submitters: Uncertain significance (1). 1 of the submissions does not count toward it. Last evaluated 2023-08-31.

Conditions:
GP1BB-related disorder. Also called: GP1BB-related condition.

Allele frequency attached by ClinVar (database versions not stated): gnomAD exomes 0.00007; 1000 Genomes Project 0.00020; gnomAD 0.00105; 1000 Genomes Project 30x 0.00109; TOPMed 0.00116.

Submissions (2):

Women's Health and Genetics/Laboratory Corporation of America, LabCorp
Classification: Uncertain significance. Last evaluated: 2023-08-31. Review status: criteria provided, single submitter. Criteria: LabCorp Variant Classification Summary - May 2015. Collection method: clinical testing. Allele origin: germline.
Comment: Variant summary: GP1BB c.433C>T (p.Pro145Ser) results in a non-conservative amino acid change in the encoded protein sequence. Four of five in-silico tools predict a benign effect of the variant on protein function. The variant was absent in 3718 control chromosomes (gnomAD). The available data on variant occurrences in the general population are insufficient to allow any conclusion about variant significance. To our knowledge, no occurrence of c.433C>T in individuals affected with Bernard Soulier Syndrome and no experimental evidence demonstrating its impact on protein function have been reported. No submitters have cited clinical-significance assessments for this variant to ClinVar after 2014. Based on the evidence outlined above, the variant was classified as uncertain significance.

PreventionGenetics, part of Exact Sciences
Classification: Likely benign for GP1BB-related condition. Last evaluated: 2024-08-07. Review status: no assertion criteria provided. Collection method: clinical testing. Allele origin: germline. Not counted in ClinVar's aggregate classification.
Comment: This variant is classified as likely benign based on ACMG/AMP sequence variant interpretation guidelines (Richards et al. 2015 PMID: 25741868, with internal and published modifications).